The following is an entry in ClinVar:

NM_000053.4(ATP7B):c.3332G>T (p.Gly1111Val)

Gene: ATP7B (ATPase copper transporting beta; minus strand). Cytogenetic location: 13q14.3.
Variant type: single nucleotide variant.
Coding change: c.3332G>T on transcript NM_000053.4 (MANE Select); coding-DNA position 3332, G replaced by T.
Protein change: p.Gly1111Val; replaces glycine 1111 with valine.
Molecular consequence: missense variant.
Genome position (GRCh38, 1-based): chr13:51,942,466, C>A on the plus strand (G>T on the coding strand, the complement: ATP7B is on the minus strand). VCF-style: chr13-51942466-C-A. GRCh37 (hg19) VCF-style: chr13-52516602-C-A.
Other names: c.3278G>T, p.Gly1093Val (NM_001406516.1, NM_001406515.1); c.3236G>T, p.Gly1079Val (NM_001406517.1, NM_001406518.1); c.3197G>T, p.Gly1066Val (NM_001406519.1); c.3188G>T, p.Gly1063Val (NM_001406520.1, NM_001406521.1, NM_001406522.1); c.3149G>T, p.Gly1050Val (NM_001406523.1); c.3155G>T, p.Gly1052Val (NM_001406524.1); c.3137G>T, p.Gly1046Val (NM_001406525.1); c.3332G>T, p.Gly1111Val (NM_001406526.1, NM_001406511.1, NM_001406512.1); and 19 more; short protein forms G1000V, G1001V, G1015V, G1027V, G1031V, G1033V, G1046V, G1050V.
Identifiers: ClinVar variation 3074301 (VCV003074301.1), dbSNP rs182659444, ClinGen allele CA388028276.

ClinVar aggregate classification (germline): Uncertain significance (1 of 4 stars; one submission).

Conditions:
Wilson disease (WND). Also called: Wilson's disease. Identifiers: Orphanet 905, MedGen C0019202, MONDO:0010200, OMIM 277900. Disease mechanism: loss of function.

gnomAD v4.1: 3 of 1,614,224 alleles (0.00019%); highest among the groups gnomAD compares: Non-Finnish European, 0.00025%; no homozygotes.

Submission:

All of Us Research Program, National Institutes of Health
Classification: Uncertain significance for Wilson disease. Last evaluated: 2023-11-02. Review status: criteria provided, single submitter. Criteria: ACMG Guidelines, 2015. Collection method: clinical testing. Allele origin: germline. Inheritance: Autosomal recessive inheritance. Observed: 1 variant allele, 1 heterozygote.
Comment: This missense variant replaces glycine with valine at codon 1111 of the ATP7B protein. Computational prediction suggests that this variant may not impact protein structure and function (internally defined REVEL score threshold <= 0.5, PMID: 27666373). To our knowledge, functional studies have not been reported for this variant. This variant has not been reported in individuals affected with ATP7B-related disorders in the literature. This variant has not been identified in the general population by the Genome Aggregation Database (gnomAD). The available evidence is insufficient to determine the role of this variant in disease conclusively. Therefore, this variant is classified as a Variant of Uncertain Significance.

This study involves interpretation of variants in research participants for the purpose of population health screening. Participant phenotype was not available at the time of variant classification. Additional details can be found in publication PMID: 35346344, PMCID: PMC8962531